The following is an entry in ClinVar:

ClinVar aggregate classification (germline): Uncertain significance (1 of 4 stars; one submission).

Conditions:
Nemaline myopathy 5 (NEM5A). Also called: NEMALINE MYOPATHY, AMISH TYPE; Nemaline myopathy 5, Amish type; NEMALINE MYOPATHY 5A, AUTOSOMAL RECESSIVE, SEVERE INFANTILE. Identifiers: Orphanet 98902, MedGen C1854380, MONDO:0011539, OMIM 605355.

Submission:

Labcorp Genetics (formerly Invitae), Labcorp
Classification: Uncertain significance for Nemaline myopathy 5. Last evaluated: 2023-09-13. Review status: criteria provided, single submitter. Criteria: Invitae Variant Classification Sherloc (09022015). Collection method: clinical testing. Allele origin: germline.
Comment: An algorithm developed to predict the effect of missense changes on protein structure and function (PolyPhen-2) suggests that this variant is likely to be disruptive. ClinVar contains an entry for this variant (Variation ID: 1515978). This missense change has been observed in individual(s) with clinical features of congenital myopathy (Invitae). In at least one individual the data is consistent with being in trans (on the opposite chromosome) from a pathogenic variant. This variant is not present in population databases (gnomAD no frequency). This sequence change replaces arginine, which is basic and polar, with tryptophan, which is neutral and slightly polar, at codon 220 of the TNNT1 protein (p.Arg220Trp). In summary, the available evidence is currently insufficient to determine the role of this variant in disease. Therefore, it has been classified as a Variant of Uncertain Significance. Algorithms developed to predict the effect of sequence changes on RNA splicing suggest that this variant may disrupt the consensus splice site.

NM_003283.6(TNNT1):c.658A>T (p.Arg220Trp)

Gene: TNNT1 (troponin T1, slow skeletal type; minus strand). Cytogenetic location: 19q13.42.
Variant type: single nucleotide variant.
Coding change: c.658A>T on transcript NM_003283.6 (MANE Select); coding-DNA position 658, A replaced by T.
Protein change: p.Arg220Trp; replaces arginine 220 with tryptophan.
Molecular consequence: missense variant. On other transcripts: splice acceptor variant (3).
Genome position (GRCh38, 1-based): chr19:55,134,158, T>A on the plus strand (A>T on the coding strand, the complement: TNNT1 is on the minus strand). VCF-style: chr19-55134158-T-A. GRCh37 (hg19) VCF-style: chr19-55645526-T-A.
Other names: c.579-2A>T (NM_001126133.3, NM_001291774.2); c.612-2A>T (NM_001126132.3); short protein forms R220W.
Identifiers: ClinVar variation 1515978 (VCV001515978.6), dbSNP rs113157106, ClinGen allele CA407431992.